The following is an entry in ClinVar:

ClinVar aggregate classification (germline): Uncertain significance (1 of 4 stars; one submission).

Conditions:
Hereditary cancer-predisposing syndrome. Also called: Hereditary Cancer Syndrome; Tumor predisposition; Hereditary neoplastic syndrome; Neoplastic Syndromes, Hereditary. Identifiers: Orphanet 140162, MedGen C0027672, MeSH D009386, MONDO:0015356.

Submission:

Labcorp Genetics (formerly Invitae), Labcorp
Classification: Uncertain significance for Hereditary cancer-predisposing syndrome. Last evaluated: 2020-08-20. Review status: criteria provided, single submitter. Criteria: Invitae Variant Classification Sherloc (09022015). Collection method: clinical testing. Allele origin: germline.
Comment: This sequence change replaces serine with arginine at codon 865 of the RAD50 protein (p.Ser865Arg). The serine residue is moderately conserved and there is a moderate physicochemical difference between serine and arginine. This variant is not present in population databases (ExAC no frequency). This variant has not been reported in the literature in individuals with RAD50-related conditions. Algorithms developed to predict the effect of missense changes on protein structure and function are either unavailable or do not agree on the potential impact of this missense change (SIFT: "Deleterious"; PolyPhen-2: "Benign"; Align-GVGD: "Class C0"). In summary, the available evidence is currently insufficient to determine the role of this variant in disease. Therefore, it has been classified as a Variant of Uncertain Significance.

NM_005732.4(RAD50):c.2595T>A (p.Ser865Arg)

Gene: RAD50 (RAD50 double strand break repair protein; plus strand). Cytogenetic location: 5q31.1.
Variant type: single nucleotide variant.
Coding change: c.2595T>A on transcript NM_005732.4 (MANE Select); coding-DNA position 2595, T replaced by A.
Protein change: p.Ser865Arg; replaces serine 865 with arginine.
Molecular consequence: missense variant.
Genome position (GRCh38, 1-based): chr5:132,604,876, T>A. VCF-style: chr5-132604876-T-A. GRCh37 (hg19) VCF-style: chr5-131940568-T-A.
Other names: short protein forms S865R.
Identifiers: ClinVar variation 1043798 (VCV001043798.9), dbSNP rs864622339, ClinGen allele CA360956490.
Genomic context (GRCh38, chr5:132,604,876, plus strand): 5'-GATTGAATTGAATCGTAAGCTTATACAGGACCAGCAGGAACAGATTCAACATCTAAAAAG[T>A]ACAACAAATGAGCTAAAATCTGAGAAACTTCAGATATCCACTAATTTGCAACGTCGTCAG-3'
Protein context (NP_005723.2, residues 855-875): DQQEQIQHLK[Ser865Arg]TTNELKSEKL